The following is an entry in ClinVar:

ClinVar aggregate classification (germline): Conflicting classifications of pathogenicity. Review status: criteria provided, conflicting classifications (1 of 4 stars). 3 submissions from 3 submitters: Uncertain significance (2); Likely benign (1). Last evaluated 2024-03-28.

Conditions:
Inborn genetic diseases. Identifiers: MedGen C0950123, MeSH D030342.

gnomAD v4.1: 2 of 1,523,186 alleles (0.00013%); highest among the groups gnomAD compares: Non-Finnish European, 0.00018%; no homozygotes.

Submissions (3):

Ambry Genetics
Classification: Uncertain significance for Inborn genetic diseases. Last evaluated: 2024-03-28. Review status: criteria provided, single submitter. Criteria: Ambry Variant Classification Scheme 2023. Collection method: clinical testing. Allele origin: germline.

Labcorp Genetics (formerly Invitae), Labcorp
Classification: Uncertain significance. Last evaluated: 2023-06-28. Review status: criteria provided, single submitter. Criteria: Invitae Variant Classification Sherloc (09022015). Collection method: clinical testing. Allele origin: germline.
Comment: This sequence change replaces alanine, which is neutral and non-polar, with valine, which is neutral and non-polar, at codon 585 of the COL18A1 protein (p.Ala585Val). This variant is not present in population databases (gnomAD no frequency). In summary, the available evidence is currently insufficient to determine the role of this variant in disease. Therefore, it has been classified as a Variant of Uncertain Significance. Experimental studies and prediction algorithms are not available or were not evaluated, and the functional significance of this variant is currently unknown. ClinVar contains an entry for this variant (Variation ID: 1467716). This variant has not been reported in the literature in individuals affected with COL18A1-related conditions.

Blueprint Genetics
Classification: Likely benign. Last evaluated: 2021-10-18. Review status: criteria provided, single submitter. Criteria: ACMG Guidelines, 2015. Collection method: clinical testing. Allele origin: germline.

NM_001379500.1(COL18A1):c.1754C>T (p.Ala585Val)

Gene: COL18A1 (collagen type XVIII alpha 1 chain; plus strand). Cytogenetic location: 21q22.3.
Variant type: single nucleotide variant.
Coding change: c.1754C>T on transcript NM_001379500.1 (MANE Select); coding-DNA position 1754, C replaced by T.
Protein change: p.Ala585Val; replaces alanine 585 with valine.
Molecular consequence: missense variant.
Genome position (GRCh38, 1-based): chr21:45,486,913, C>T. VCF-style: chr21-45486913-C-T. GRCh37 (hg19) VCF-style: chr21-46906827-C-T.
Other names: NM_130445.2:c.1754C>T; c.2294C>T, p.Ala765Val (NM_030582.4); c.2999C>T, p.Ala1000Val (NM_130444.3); short protein forms A1000V, A585V, A765V.
Identifiers: ClinVar variation 1467716 (VCV001467716.8), dbSNP rs2036133500, ClinGen allele CA410496253.